The following is an entry in ClinVar:

NM_002890.3(RASA1):c.580C>T (p.Arg194Cys)

Genes: CCNH (cyclin H; minus strand), RASA1 (RAS p21 protein activator 1; plus strand). Cytogenetic location: 5q14.3.
Variant type: single nucleotide variant.
Coding change: c.580C>T on transcript NM_002890.3 (MANE Select); coding-DNA position 580, C replaced by T.
Protein change: p.Arg194Cys; replaces arginine 194 with cysteine.
Molecular consequence: missense variant. On other transcripts: intron variant (1).
Genome position (GRCh38, 1-based): chr5:87,331,388, C>T. VCF-style: chr5-87331388-C-T. GRCh37 (hg19) VCF-style: chr5-86627205-C-T.
Other names: c.49C>T, p.Arg17Cys (NM_022650.3); c.934-18593G>A (NM_001364075.2); short protein forms R17C, R194C.
Identifiers: ClinVar variation 3671744 (VCV003671744.3).

ClinVar aggregate classification (germline): Uncertain significance. Review status: criteria provided, multiple submitters, no conflicts (2 of 4 stars). 2 submissions from 2 submitters: Uncertain significance (2). Last evaluated 2024-07-11.

Conditions:
Capillary malformation-arteriovenous malformation 1 (CMAVM1). Identifiers: Orphanet 137667, Orphanet 693907, MedGen C4747394, MONDO:0020783, OMIM 608354.
Capillary malformation-arteriovenous malformation syndrome. Also called: Capillary malformation-arteriovenous malformation. Identifiers: Orphanet 137667, MedGen C1842180, MONDO:0012016.

gnomAD v4.1: 2 of 1,612,250 alleles (0.00012%); highest among the groups gnomAD compares: African/African-American, 0.0013%; no homozygotes.

Submissions (2):

Labcorp Genetics (formerly Invitae), Labcorp
Classification: Uncertain significance for Capillary malformation-arteriovenous malformation syndrome. Last evaluated: 2024-07-11. Review status: criteria provided, single submitter. Criteria: Invitae Variant Classification Sherloc (09022015). Collection method: clinical testing. Allele origin: germline.
Comment: This sequence change replaces arginine, which is basic and polar, with cysteine, which is neutral and slightly polar, at codon 194 of the RASA1 protein (p.Arg194Cys). The frequency data for this variant in the population databases is considered unreliable, as metrics indicate poor data quality at this position in the gnomAD database. This variant has not been reported in the literature in individuals affected with RASA1-related conditions. An algorithm developed to predict the effect of missense changes on protein structure and function (PolyPhen-2) suggests that this variant is likely to be disruptive. In summary, the available evidence is currently insufficient to determine the role of this variant in disease. Therefore, it has been classified as a Variant of Uncertain Significance.

Revvity Omics, Revvity
Classification: Uncertain significance for Capillary malformation-arteriovenous malformation 1. Last evaluated: 2024-05-15. Review status: criteria provided, single submitter. Criteria: ACMG Guidelines, 2015. Collection method: clinical testing. Allele origin: germline.